The following is an entry in ClinVar:

NM_003560.4(PLA2G6):c.868C>G (p.Pro290Ala)

Gene: PLA2G6 (phospholipase A2 group VI; minus strand). Cytogenetic location: 22q13.1.
Variant type: single nucleotide variant.
Coding change: c.868C>G on transcript NM_003560.4 (MANE Select); coding-DNA position 868, C replaced by G.
Protein change: p.Pro290Ala; replaces proline 290 with alanine.
Molecular consequence: missense variant.
Genome position (GRCh38, 1-based): chr22:38,135,014, G>C on the plus strand (C>G on the coding strand, the complement: PLA2G6 is on the minus strand). VCF-style: chr22-38135014-G-C. GRCh37 (hg19) VCF-style: chr22-38531021-G-C.
Other names: c.868C>G, p.Pro290Ala (NM_001004426.3, NM_001199562.3, NM_001349864.2 and 2 more transcripts); c.334C>G, p.Pro112Ala (NM_001349867.2, NM_001349869.2); c.190C>G, p.Pro64Ala (NM_001349868.2); short protein forms P112A, P64A, P290A.
Identifiers: ClinVar variation 1434874 (VCV001434874.8), dbSNP rs754964607, ClinGen allele CA411531050.

ClinVar aggregate classification (germline): Uncertain significance (1 of 4 stars; one submission).

Conditions:
Infantile neuroaxonal dystrophy (NBIA2A). Also called: NEURODEGENERATION WITH BRAIN IRON ACCUMULATION 2A; SEITELBERGER DISEASE; Infantile neuroaxonal dystrophy 1. Identifiers: Orphanet 35069, MedGen C0270724, MONDO:0024457, OMIM 256600.

Submission:

Labcorp Genetics (formerly Invitae), Labcorp
Classification: Uncertain significance for Infantile neuroaxonal dystrophy. Last evaluated: 2021-12-03. Review status: criteria provided, single submitter. Criteria: Invitae Variant Classification Sherloc (09022015). Collection method: clinical testing. Allele origin: germline.
Comment: In summary, the available evidence is currently insufficient to determine the role of this variant in disease. Therefore, it has been classified as a Variant of Uncertain Significance. Advanced modeling of protein sequence and biophysical properties (such as structural, functional, and spatial information, amino acid conservation, physicochemical variation, residue mobility, and thermodynamic stability) performed at Invitae indicates that this missense variant is expected to disrupt PLA2G6 protein function. This variant has not been reported in the literature in individuals affected with PLA2G6-related conditions. This variant is not present in population databases (gnomAD no frequency). This sequence change replaces proline, which is neutral and non-polar, with alanine, which is neutral and non-polar, at codon 290 of the PLA2G6 protein (p.Pro290Ala).